The following is an entry in ClinVar:

NM_000393.5(COL5A2):c.4167T>G (p.Phe1389Leu)

Gene: COL5A2 (collagen type V alpha 2 chain; minus strand). Cytogenetic location: 2q32.2.
Variant type: single nucleotide variant.
Coding change: c.4167T>G on transcript NM_000393.5 (MANE Select); coding-DNA position 4167, T replaced by G.
Protein change: p.Phe1389Leu; replaces phenylalanine 1389 with leucine.
Molecular consequence: missense variant.
Genome position (GRCh38, 1-based): chr2:189,035,102, A>C on the plus strand (T>G on the coding strand, the complement: COL5A2 is on the minus strand). VCF-style: chr2-189035102-A-C. GRCh37 (hg19) VCF-style: chr2-189899828-A-C.
Other names: short protein forms F1389L.
Identifiers: ClinVar variation 4746435 (VCV004746435.1).

ClinVar aggregate classification (germline): Uncertain significance (1 of 4 stars; one submission).

Conditions:
Ehlers-Danlos syndrome, classic type, 1 (EDSCL1). Also called: EHLERS-DANLOS SYNDROME, GRAVIS TYPE; EHLERS-DANLOS SYNDROME, SEVERE CLASSIC TYPE; Ehlers-Danlos syndrome, type 1; Ehlers-Danlos Syndrome, Classic Type, COL5A1-Related; EDS I. Identifiers: MedGen C0268335, MONDO:0019567, OMIM 130000.

Submission:

Labcorp Genetics (formerly Invitae), Labcorp
Classification: Uncertain significance for Ehlers-Danlos syndrome, classic type, 1. Last evaluated: 2025-09-03. Review status: criteria provided, single submitter. Criteria: Invitae Variant Classification Sherloc (09022015). Collection method: clinical testing. Allele origin: germline.
Comment: This sequence change replaces phenylalanine, which is neutral and non-polar, with leucine, which is neutral and non-polar, at codon 1389 of the COL5A2 protein (p.Phe1389Leu). This variant is not present in population databases (gnomAD no frequency). This variant has not been reported in the literature in individuals affected with COL5A2-related conditions. Invitae Evidence Modeling of protein sequence and biophysical properties (such as structural, functional, and spatial information, amino acid conservation, physicochemical variation, residue mobility, and thermodynamic stability) indicates that this missense variant is not expected to disrupt COL5A2 protein function with a negative predictive value of 80%. In summary, the available evidence is currently insufficient to determine the role of this variant in disease. Therefore, it has been classified as a Variant of Uncertain Significance.